The following is an entry in ClinVar:

NM_000257.4(MYH7):c.4535T>C (p.Leu1512Ser)

Genes: MHRT (myosin heavy chain associated RNA transcript; plus strand), MYH7 (myosin heavy chain 7; minus strand). Cytogenetic location: 14q11.2.
Variant type: single nucleotide variant.
Coding change: c.4535T>C on transcript NM_000257.4 (MANE Select); coding-DNA position 4535, T replaced by C.
Protein change: p.Leu1512Ser; replaces leucine 1512 with serine.
Molecular consequence: missense variant. On other transcripts: non-coding transcript variant (1).
Genome position (GRCh38, 1-based): chr14:23,416,977, A>G on the plus strand (T>C on the coding strand, the complement: MYH7 is on the minus strand). VCF-style: chr14-23416977-A-G. GRCh37 (hg19) VCF-style: chr14-23886186-A-G.
Other names: p.Leu1512Ser; c.4535T>C, p.Leu1512Ser (NM_001407004.1); short protein forms L1512S.
Identifiers: ClinVar variation 4541821 (VCV004541821.2).

ClinVar aggregate classification (germline): Uncertain significance. Review status: criteria provided, multiple submitters, no conflicts (2 of 4 stars). 2 submissions from 2 submitters: Uncertain significance (2). Last evaluated 2025-12-24.

Conditions:
Cardiovascular phenotype. Identifiers: MedGen CN230736.

Submissions (2):

Ambry Genetics
Classification: Uncertain significance for Cardiovascular phenotype. Last evaluated: 2025-12-24. Review status: criteria provided, single submitter. Criteria: Ambry Variant Classification Scheme 2023. Collection method: clinical testing. Allele origin: germline.
Comment: The p.L1512S variant (also known as c.4535T>C), located in coding exon 31 of the MYH7 gene, results from a T to C substitution at nucleotide position 4535. The leucine at codon 1512 is replaced by serine, an amino acid with dissimilar properties. This amino acid position is conserved. In addition, this alteration is predicted to be deleterious by in silico analysis. Based on the available evidence, the clinical significance of this variant remains unclear.

Mayo Clinic Laboratories, Mayo Clinic
Classification: Uncertain significance. Last evaluated: 2025-06-05. Review status: criteria provided, single submitter. Criteria: ACMG Guidelines, 2015. Collection method: clinical testing. Allele origin: germline. Observed: 1 variant allele.
Comment: PP3, PM2_supporting

Literature cited by the submitters: PubMed 32880476 (cited by Mayo Clinic Laboratories, Mayo Clinic).